The following is an entry in ClinVar:

ClinVar aggregate classification (germline): Uncertain significance (1 of 4 stars; one submission).

Submission:

CeGaT Center for Human Genetics Tuebingen
Classification: Uncertain significance. Last evaluated: 2026-01-01. Review status: criteria provided, single submitter. Criteria: CeGaT Center For Human Genetics Tuebingen Variant Classification Criteria Version 2. Collection method: clinical testing. Allele origin: germline. Affected: yes. Observed: 1 variant allele.
Comment: SYNCRIP: PM2, PS2:Moderate

NM_001439160.1(SYNCRIP):c.-13+816G>T

Gene: SYNCRIP (synaptotagmin binding cytoplasmic RNA interacting protein; minus strand). Cytogenetic location: 6q14.3.
Variant type: single nucleotide variant.
Coding change: c.-13+816G>T on transcript NM_001439160.1; 816 bases into the intron after 13 bases upstream of the start codon, G replaced by T.
Molecular consequence: intron variant.
Genome position (GRCh38, 1-based): chr6:85,642,934, C>A on the plus strand (G>T on the coding strand, the complement: SYNCRIP is on the minus strand). VCF-style: chr6-85642934-C-A. GRCh37 (hg19) VCF-style: chr6-86352652-C-A.
Other names: c.-13+816G>T (NM_001439161.1).
Identifiers: ClinVar variation 4822950 (VCV004822950.4).